The following is an entry in ClinVar:

NM_025137.4(SPG11):c.3784G>T (p.Gly1262Cys)

Gene: SPG11 (SPG11 vesicle trafficking associated, spatacsin; minus strand). Cytogenetic location: 15q21.1.
Variant type: single nucleotide variant.
Coding change: c.3784G>T on transcript NM_025137.4 (MANE Select); coding-DNA position 3784, G replaced by T.
Protein change: p.Gly1262Cys; replaces glycine 1262 with cysteine.
Molecular consequence: missense variant.
Genome position (GRCh38, 1-based): chr15:44,598,739, C>A on the plus strand (G>T on the coding strand, the complement: SPG11 is on the minus strand). VCF-style: chr15-44598739-C-A. GRCh37 (hg19) VCF-style: chr15-44890937-C-A.
Other names: c.3784G>T, p.Gly1262Cys (NM_001160227.2); short protein forms G1262C.
Identifiers: ClinVar variation 1003940 (VCV001003940.6), dbSNP rs2083108639, ClinGen allele CA392230159.
Genomic context (GRCh38, chr15:44,598,739, plus strand): 5'-TGTAGCTCAAAATTATATTGGCCACTTTCATATCAACTCTGAGCTTGAGGCTGTCAAGGC[C>A]AAGCAATTCTAAGAAACAAACACATGCAGCTCCTATTGAAGGTATGTGGAAGGAGGAGAG-3'
Protein context (NP_079413.3, residues 1252-1272): AACVCFLELL[Gly1262Cys]LDSLKLRVDM

ClinVar aggregate classification (germline): Uncertain significance (1 of 4 stars; one submission).

Conditions:
Hereditary spastic paraplegia 11. Also called: Spastic Paraplegia 11; SPASTIC PARAPLEGIA, AUTOSOMAL RECESSIVE, COMPLICATED, WITH THIN CORPUS CALLOSUM; SPASTIC PARAPLEGIA, AUTOSOMAL RECESSIVE, WITH MENTAL IMPAIRMENT AND THIN CORPUS CALLOSUM; Nakamura Osame syndrome; Autosomal recessive hereditary spastic paraplegia, mental impairment, and thin corpus callosum; Spastic paraplegia, mental retardation and thin corpus callosum. Identifiers: Orphanet 2822, MedGen C1858479, MONDO:0011445, OMIM 604360.

Submission:

Labcorp Genetics (formerly Invitae), Labcorp
Classification: Uncertain significance for Hereditary spastic paraplegia 11. Last evaluated: 2021-08-31. Review status: criteria provided, single submitter. Criteria: Invitae Variant Classification Sherloc (09022015). Collection method: clinical testing. Allele origin: germline.
Comment: This sequence change replaces glycine with cysteine at codon 1262 of the SPG11 protein (p.Gly1262Cys). The glycine residue is highly conserved and there is a large physicochemical difference between glycine and cysteine. This variant is not present in population databases (ExAC no frequency). This variant has not been reported in the literature in individuals affected with SPG11-related conditions. Advanced modeling of protein sequence and biophysical properties (such as structural, functional, and spatial information, amino acid conservation, physicochemical variation, residue mobility, and thermodynamic stability) performed at Invitae indicates that this missense variant is expected to disrupt SPG11 protein function. In summary, the available evidence is currently insufficient to determine the role of this variant in disease. Therefore, it has been classified as a Variant of Uncertain Significance.